The following is an entry in ClinVar:

ClinVar aggregate classification (germline): Uncertain significance. Review status: criteria provided, multiple submitters, no conflicts (2 of 4 stars). 2 submissions from 2 submitters: Uncertain significance (2). Last evaluated 2026-08-22.

Conditions:
Familial thoracic aortic aneurysm and aortic dissection (TAAD). Also called: Thoracic aortic aneurysms and dissections. Identifiers: Orphanet 91387, MedGen C4707243, MONDO:0019625.

Submissions (2):

Ambry Genetics
Classification: Uncertain significance for Familial thoracic aortic aneurysm and aortic dissection. Last evaluated: 2026-08-22. Review status: criteria provided, single submitter. Criteria: Ambry Variant Classification Scheme 2023. Collection method: clinical testing. Allele origin: germline.
Comment: The p.P1338S variant (also known as c.4012C>T), located in coding exon 21 of the MYLK gene, results from a C to T substitution at nucleotide position 4012. The proline at codon 1338 is replaced by serine, an amino acid with similar properties. This amino acid position is conserved. In addition, the in silico prediction for this alteration is inconclusive. Based on the available evidence, the clinical significance of this variant remains unclear.

GeneDx
Classification: Uncertain significance. Last evaluated: 2026-02-20. Review status: criteria provided, single submitter. Criteria: GeneDx Variant Classification Process June 2021. Collection method: clinical testing. Allele origin: germline.
Comment: Has not been previously published as pathogenic or benign to our knowledge; Not observed at significant frequency in large population cohorts (gnomAD); In silico analysis supports that this missense variant has a deleterious effect on protein structure/function

NM_053025.4(MYLK):c.4012C>T (p.Pro1338Ser)

Gene: MYLK (myosin light chain kinase; minus strand). Cytogenetic location: 3q21.1.
Variant type: single nucleotide variant.
Coding change: c.4012C>T on transcript NM_053025.4 (MANE Select); coding-DNA position 4012, C replaced by T.
Protein change: p.Pro1338Ser; replaces proline 1338 with serine.
Molecular consequence: missense variant.
Genome position (GRCh38, 1-based): chr3:123,657,402, G>A on the plus strand (C>T on the coding strand, the complement: MYLK is on the minus strand). VCF-style: chr3-123657402-G-A. GRCh37 (hg19) VCF-style: chr3-123376249-G-A.
Other names: c.3484C>T, p.Pro1162Ser (NM_001321309.2); c.3805C>T, p.Pro1269Ser (NM_053026.4, NM_053028.4); c.4012C>T, p.Pro1338Ser (NM_053027.4); short protein forms P1162S, P1269S, P1338S.
Identifiers: ClinVar variation 2446186 (VCV002446186.3), dbSNP rs1309227729, ClinGen allele CA354228319.
Genomic context (GRCh38, chr3:123,657,402, plus strand): 5'-CATATGAGGAGCCATACCAGGACAGGGTCAGTGAGGAGCTCCGAATGTCAGAGGCACAAG[G>A]TGTGCCAGCTGGGGGGTCTGGCTTATCTGGGGATAAAGAAGCACAACATCACCCACACTT-3'
Protein context (NP_444253.3, residues 1328-1348): VDKPDPPAGT[Pro1338Ser]CASDIRSSSL